The following is an entry in ClinVar:

ClinVar aggregate classification (germline): Pathogenic (1 of 4 stars; one submission).

Conditions:
Hereditary cancer-predisposing syndrome. Also called: Hereditary Cancer Syndrome; Hereditary neoplastic syndrome; Neoplastic Syndromes, Hereditary; Tumor predisposition. Identifiers: Orphanet 140162, MedGen C0027672, MeSH D009386, MONDO:0015356.

Submission:

Ambry Genetics
Classification: Pathogenic for Hereditary cancer-predisposing syndrome. Last evaluated: 2022-01-17. Review status: criteria provided, single submitter. Criteria: Ambry Variant Classification Scheme 2023. Collection method: clinical testing. Allele origin: germline.
Comment: The c.928_931delCTTAinsT pathogenic mutation (also known as p.L310*), located in coding exon 4 of the MSH6 gene, results from a deletion of CTTA and insertion of T at nucleotide positions 928 to 931. This changes the amino acid from a leucine to a stop codon within coding exon 4. This alteration is expected to result in loss of function by premature protein truncation or nonsense-mediated mRNA decay. As such, this alteration is interpreted as a disease-causing mutation.

NM_000179.3(MSH6):c.928_931delinsT (p.Leu310_Lys311delinsTer)

Gene: MSH6 (mutS homolog 6; plus strand). Cytogenetic location: 2p16.3.
Variant type: Indel.
Coding change: c.928_931delinsT on transcript NM_000179.3 (MANE Select); coding-DNA positions 928 to 931, CTTA replaced by T.
Protein change: p.Leu310_Lys311delinsTer.
Molecular consequence: nonsense.
Genome position (GRCh38, 1-based): chr2:47,798,911-47,798,914, CTTA replaced by T. VCF-style: chr2-47798911-CTTA-T. GRCh37 (hg19) VCF-style: chr2-48026050-CTTA-T.
Other names: c.538_541delinsT, p.Leu180_Lys181delinsTer (NM_001281492.2); c.22_25delinsT, p.Leu8_Lys9delinsTer (NM_001281493.2, NM_001281494.2); c.1024_1027delCTTAinsT, p.Leu342_Glu677delinsTer (NM_001406795.1, NM_001406802.1); c.928_931delCTTAinsT, p.Leu310_Glu645delinsTer (NM_001406796.1, NM_001406798.1, NM_001406800.1 and 3 more transcripts); c.631_634delCTTAinsT, p.Leu211_Glu546delinsTer (NM_001406797.1, NM_001406801.1, NM_001406805.1 and 10 more transcripts); c.403_406delCTTAinsT, p.Leu135_Glu470delinsTer (NM_001406799.1, NM_001406806.1, NM_001406807.1); c.850_853delCTTAinsT, p.Leu284_Glu619delinsTer (NM_001406804.1); c.22_25delCTTAinsT, p.Leu8_Glu343delinsTer (NM_001406811.1, NM_001406812.1, NM_001406814.1 and 4 more transcripts); and 3 more.
Identifiers: ClinVar variation 1766427 (VCV001766427.2), dbSNP rs2530578746, ClinGen allele CA2580067267.